The following is an entry in ClinVar:

ClinVar aggregate classification (germline): Uncertain significance (1 of 4 stars; one submission).

Conditions:
MELAS syndrome (MELAS). Also called: Juvenile myopathy, encephalopathy, lactic acidosis, stroke. Identifiers: Orphanet 550, MedGen C0162671, MONDO:0010789, OMIM 540000.

Submission:

MGZ Medical Genetics Center
Classification: Uncertain significance for MELAS syndrome. Last evaluated: 2021-12-14. Review status: criteria provided, single submitter. Criteria: ACMG Guidelines, 2015. Collection method: clinical testing. Allele origin: germline. Affected: yes. Observed: 1 variant allele.
Comment: ACMG criteria applied: PM2_SUP

NC_012920.1(MT-ND5):m.13912C>T

Gene: MT-ND5 (mitochondrially encoded NADH dehydrogenase 5; plus strand).
Variant type: single nucleotide variant.
Genome position: chrM-13912-C-T.
Identifiers: ClinVar variation 1708995 (VCV001708995.2), dbSNP rs2124597957, ClinGen allele CA414820069.